The following is an entry in ClinVar:

ClinVar aggregate classification (germline): Pathogenic/Likely pathogenic. Review status: criteria provided, multiple submitters, no conflicts (2 of 4 stars). 2 submissions from 2 submitters: Pathogenic (1); Likely pathogenic (1). Last evaluated 2023-02-08.

Conditions:
Seizures, benign familial infantile, 3 (BFIS3). Also called: Familial neonatal seizures; CONVULSIONS, BENIGN FAMILIAL INFANTILE, 3. Identifiers: Orphanet 140927, Orphanet 306, MedGen C1843140, MONDO:0011904, OMIM 607745.
Developmental and epileptic encephalopathy, 11 (DEE11). Also called: Early infantile epileptic encephalopathy 11. Identifiers: Orphanet 1934, MedGen C3150987, MONDO:0013388, OMIM 613721.

Submissions (2):

Labcorp Genetics (formerly Invitae), Labcorp
Classification: Pathogenic for Seizures, benign familial infantile, 3; Developmental and epileptic encephalopathy, 11. Last evaluated: 2023-02-08. Review status: criteria provided, single submitter. Criteria: Invitae Variant Classification Sherloc (09022015). Collection method: clinical testing. Allele origin: germline.
Comment: For these reasons, this variant has been classified as Pathogenic. ClinVar contains an entry for this variant (Variation ID: 801778). Advanced modeling of protein sequence and biophysical properties (such as structural, functional, and spatial information, amino acid conservation, physicochemical variation, residue mobility, and thermodynamic stability) performed at Invitae indicates that this missense variant is expected to disrupt SCN2A protein function. This sequence change replaces valine, which is neutral and non-polar, with leucine, which is neutral and non-polar, at codon 887 of the SCN2A protein (p.Val887Leu). This variant is not present in population databases (gnomAD no frequency). This missense change has been observed in individual(s) with clinical features of SCN2A-related conditions (Invitae). In at least one individual the variant was observed to be de novo.

Mendelics
Classification: Likely pathogenic for Seizures, benign familial infantile, 3. Last evaluated: 2019-05-28. Review status: criteria provided, single submitter. Criteria: Mendelics Assertion Criteria 2017. Collection method: clinical testing. Allele origin: unknown.

NM_001040142.2(SCN2A):c.2659G>C (p.Val887Leu)

Gene: SCN2A (sodium voltage-gated channel alpha subunit 2; plus strand). Cytogenetic location: 2q24.3.
Variant type: single nucleotide variant.
Coding change: c.2659G>C on transcript NM_001040142.2 (MANE Select); coding-DNA position 2659, G replaced by C.
Protein change: p.Val887Leu; replaces valine 887 with leucine.
Molecular consequence: missense variant.
Genome position (GRCh38, 1-based): chr2:165,344,651, G>C. VCF-style: chr2-165344651-G-C. GRCh37 (hg19) VCF-style: chr2-166201161-G-C.
Other names: c.2659G>C, p.Val887Leu (NM_001040143.2, NM_001371246.1, NM_001371247.1 and 1 more transcripts); short protein forms V887L.
Identifiers: ClinVar variation 801778 (VCV000801778.4), dbSNP rs1574641605, ClinGen allele CA349014235.
Genomic context (GRCh38, chr2:165,344,651, plus strand): 5'-CTAAATATGCTAATTAAGATCATTGGCAATTCTGTGGGGGCTCTAGGAAACCTCACCTTG[G>C]TATTGGCCATCATCGTCTTCATTTTTGCTGTGGTCGGCATGCAGCTCTTTGGTAAGAGCT-3'
Protein context (NP_001035232.1, residues 877-897): SVGALGNLTL[Val887Leu]LAIIVFIFAV